The following is an entry in ClinVar:

ClinVar aggregate classification (germline): Uncertain significance (1 of 4 stars; one submission).

Conditions:
Cardiovascular phenotype. Identifiers: MedGen CN230736.

Submission:

Ambry Genetics
Classification: Uncertain significance for Cardiovascular phenotype. Last evaluated: 2025-12-16. Review status: criteria provided, single submitter. Criteria: Ambry Variant Classification Scheme 2023. Collection method: clinical testing. Allele origin: germline.
Comment: The p.R165H variant (also known as c.494G>A), located in coding exon 3 of the BGN gene, results from a G to A substitution at nucleotide position 494. The arginine at codon 165 is replaced by histidine, an amino acid with highly similar properties. Based on data from gnomAD, the A allele has an overall frequency of 0.0005% (1/183009) total alleles studied, with 0 hemizygote(s) observed. The highest observed frequency was 0.0012% (1/81705) of European (non-Finnish) alleles. This amino acid position is conserved. In addition, the in silico prediction for this alteration is inconclusive. Based on the available evidence, the clinical significance of this variant remains unclear.

NM_001711.6(BGN):c.494G>A (p.Arg165His)

Gene: BGN (biglycan; plus strand). Cytogenetic location: Xq28.
Variant type: single nucleotide variant.
Coding change: c.494G>A on transcript NM_001711.6 (MANE Select); coding-DNA position 494, G replaced by A.
Protein change: p.Arg165His; replaces arginine 165 with histidine.
Molecular consequence: missense variant.
Genome position (GRCh38, 1-based): chrX:153,506,005, G>A. VCF-style: chrX-153506005-G-A. GRCh37 (hg19) VCF-style: chrX-152771463-G-A.
Other names: short protein forms R165H.
Identifiers: ClinVar variation 4842462 (VCV004842462.1).